The following is an entry in ClinVar:

NM_001376.5(DYNC1H1):c.5225T>C (p.Ile1742Thr)

Gene: DYNC1H1 (dynein cytoplasmic 1 heavy chain 1; plus strand). Cytogenetic location: 14q32.31.
Variant type: single nucleotide variant.
Coding change: c.5225T>C on transcript NM_001376.5 (MANE Select); coding-DNA position 5225, T replaced by C.
Protein change: p.Ile1742Thr; replaces isoleucine 1742 with threonine.
Molecular consequence: missense variant.
Genome position (GRCh38, 1-based): chr14:102,004,937, T>C. VCF-style: chr14-102004937-T-C. GRCh37 (hg19) VCF-style: chr14-102471274-T-C.
Other names: short protein forms I1742T.
Identifiers: ClinVar variation 539760 (VCV000539760.8), dbSNP rs1555409568, ClinGen allele CA391045774.

ClinVar aggregate classification (germline): Uncertain significance (1 of 4 stars; one submission).

Conditions:
Charcot-Marie-Tooth disease axonal type 2O. Also called: CHARCOT-MARIE-TOOTH NEUROPATHY, AXONAL, TYPE 2O; CHARCOT-MARIE-TOOTH DISEASE, AXONAL, AUTOSOMAL DOMINANT, TYPE 2O; Charcot-Marie-Tooth Neuropathy Type 2O; Charcot-Marie-Tooth disease, axonal, type 20. Identifiers: Orphanet 284232, MedGen C3280220, MONDO:0013644, OMIM 614228.

Allele frequency attached by ClinVar (database versions not stated): gnomAD 0.00001.

Submission:

Labcorp Genetics (formerly Invitae), Labcorp
Classification: Uncertain significance for Charcot-Marie-Tooth disease axonal type 2O. Last evaluated: 2018-06-15. Review status: criteria provided, single submitter. Criteria: Invitae Variant Classification Sherloc (09022015). Collection method: clinical testing. Allele origin: germline.
Comment: In summary, the available evidence is currently insufficient to determine the role of this variant in disease. Therefore, it has been classified as a Variant of Uncertain Significance. Algorithms developed to predict the effect of missense changes on protein structure and function do not agree on the potential impact of this missense change (SIFT: "Deleterious"; PolyPhen-2: "Benign"; Align-GVGD: "Class C0"). This variant has not been reported in the literature in individuals with DYNC1H1-related disease. This variant is not present in population databases (ExAC no frequency). This sequence change replaces isoleucine with threonine at codon 1742 of the DYNC1H1 protein (p.Ile1742Thr). The isoleucine residue is highly conserved and there is a moderate physicochemical difference between isoleucine and threonine.